The following is an entry in ClinVar:

ClinVar aggregate classification (germline): Uncertain significance (1 of 4 stars; one submission).

Submission:

Labcorp Genetics (formerly Invitae), Labcorp
Classification: Uncertain significance. Last evaluated: 2020-11-23. Review status: criteria provided, single submitter. Criteria: Invitae Variant Classification Sherloc (09022015). Collection method: clinical testing. Allele origin: germline.
Comment: This variant has not been reported in the literature in individuals with MCM4-related conditions. In summary, the available evidence is currently insufficient to determine the role of this variant in disease. Therefore, it has been classified as a Variant of Uncertain Significance. The frequency data for this variant in the population databases is considered unreliable, as metrics indicate insufficient coverage at this position in the ExAC database. This variant is a gross deletion of the genomic region encompassing exon(s) 1 of the MCM4 gene, which includes the initiator codon. The 5' end of this event is unknown as it extends beyond the assayed region for this gene and therefore may encompass additional genes. The 3' boundary is likely confined to intron 1 of the MCM4 gene. It is expected to result in an absent or disrupted protein product. However, the current clinical and genetic evidence is not sufficient to establish whether loss-of-function variants in MCM4 cause disease.

NM_182746.3(MCM4):c.-14-3_70+1del

Genes: MCM4 (minichromosome maintenance complex component 4; plus strand), LOC130000338 (ATAC-STARR-seq lymphoblastoid silent region 19178; plus strand). Cytogenetic location: 8q11.21.
Variant type: Deletion.
Coding change: c.-14-3_70+1del on transcript NM_182746.3 (MANE Select); 3 bases into the intron before 14 bases upstream of the start codon through the canonical splice donor site of the intron after coding-DNA position 70, 88 bases deleted.
Molecular consequence: splice acceptor variant, splice donor variant, initiator codon variant.
Genome position (GRCh38, 1-based): chr8:47,961,128-47,961,215, 88 bases deleted. GRCh37 (hg19): chr8:48,873,688-48,873,775.
Other names: c.-17_70+1del (NM_005914.4).
Identifiers: ClinVar variation 1425380 (VCV001425380.6), dbSNP rs2154504935, ClinGen allele CA2573143240.